The following is an entry in ClinVar:

ClinVar aggregate classification (germline): Uncertain significance (1 of 4 stars; one submission).

Conditions:
Progressive microcephaly-seizures-cortical blindness-developmental delay syndrome. Also called: Seizures, cortical blindness, and microcephaly syndrome. Identifiers: Orphanet 477814, MedGen C5567650, MONDO:0014714, OMIM 616632.
Autosomal dominant nonsyndromic hearing loss 1. Also called: KONIGSMARK SYNDROME; DEAFNESS, AUTOSOMAL DOMINANT 1, WITH OR WITHOUT THROMBOCYTOPENIA. Identifiers: Orphanet 90635, MedGen C1852282, MONDO:0007424, OMIM 124900.

gnomAD v4.1: 1 of 1,614,052 alleles (0.000062%); highest among the groups gnomAD compares: Middle Eastern, 0.017%; no homozygotes.

Submission:

Labcorp Genetics (formerly Invitae), Labcorp
Classification: Uncertain significance for Progressive microcephaly-seizures-cortical blindness-developmental delay syndrome; Autosomal dominant nonsyndromic hearing loss 1. Last evaluated: 2025-05-21. Review status: criteria provided, single submitter. Criteria: Invitae Variant Classification Sherloc (09022015). Collection method: clinical testing. Allele origin: germline.
Comment: This sequence change replaces proline, which is neutral and non-polar, with glutamine, which is neutral and polar, at codon 752 of the DIAPH1 protein (p.Pro752Gln). This variant is not present in population databases (gnomAD no frequency). This variant has not been reported in the literature in individuals affected with DIAPH1-related conditions. ClinVar contains an entry for this variant (Variation ID: 2948543). Experimental studies and prediction algorithms are not available or were not evaluated, and the functional significance of this variant is currently unknown. In summary, the available evidence is currently insufficient to determine the role of this variant in disease. Therefore, it has been classified as a Variant of Uncertain Significance.

NM_005219.5(DIAPH1):c.2255C>A (p.Pro752Gln)

Gene: DIAPH1 (diaphanous related formin 1; minus strand). Cytogenetic location: 5q31.3.
Variant type: single nucleotide variant.
Coding change: c.2255C>A on transcript NM_005219.5 (MANE Select); coding-DNA position 2255, C replaced by A.
Protein change: p.Pro752Gln; replaces proline 752 with glutamine.
Molecular consequence: missense variant.
Genome position (GRCh38, 1-based): chr5:141,573,595, G>T on the plus strand (C>A on the coding strand, the complement: DIAPH1 is on the minus strand). VCF-style: chr5-141573595-G-T. GRCh37 (hg19) VCF-style: chr5-140953162-G-T.
Other names: c.2228C>A, p.Pro743Gln (NM_001079812.3); c.2255C>A, p.Pro752Gln (NM_001314007.2); short protein forms P743Q, P752Q.
Identifiers: ClinVar variation 2948543 (VCV002948543.3), dbSNP rs2513738499, ClinGen allele CA361516933.